The following is an entry in ClinVar:

ClinVar aggregate classification (germline): Likely benign. Review status: criteria provided, multiple submitters, no conflicts (2 of 4 stars). 2 submissions from 2 submitters: Likely benign (2). Last evaluated 2023-07-13.

Conditions:
Propionic acidemia (PROP). Also called: GLYCINEMIA, KETOTIC; HYPERGLYCINEMIA WITH KETOACIDOSIS AND LEUKOPENIA; KETOTIC HYPERGLYCINEMIA. Identifiers: Orphanet 35, MedGen C0268579, MONDO:0011628, OMIM 606054, HP:0003571.

Submissions (2):

Labcorp Genetics (formerly Invitae), Labcorp
Classification: Likely benign for Propionic acidemia. Last evaluated: 2023-07-13. Review status: criteria provided, single submitter. Criteria: Invitae Variant Classification Sherloc (09022015). Collection method: clinical testing. Allele origin: germline.

GeneDx
Classification: Likely benign. Last evaluated: 2017-08-15. Review status: criteria provided, single submitter. Criteria: GeneDx Variant Classification (06012015). Collection method: clinical testing. Allele origin: germline. Affected: yes.
Comment: This variant is considered likely benign or benign based on one or more of the following criteria: it is a conservative change, it occurs at a poorly conserved position in the protein, it is predicted to be benign by multiple in silico algorithms, and/or has population frequency not consistent with disease.

NM_000532.5(PCCB):c.303+19_303+21del

Gene: PCCB (propionyl-CoA carboxylase subunit beta; plus strand). Cytogenetic location: 3q22.3.
Variant type: Microsatellite.
Coding change: c.303+19_303+21del on transcript NM_000532.5 (MANE Select); bases 19 to 21 of the intron after coding-DNA position 303, 3 bases deleted (GTG; older notation c.303+19_303+21delGTG).
Molecular consequence: intron variant.
Genome position (GRCh38, 1-based): chr3:136,255,994-136,255,996, GTG deleted; deleting any 3 consecutive bases within chr3:136,255,989-136,255,996 gives the same sequence; the c. name uses the placement nearest the transcript's 3' end. VCF-style (leftmost placement, unchanged base first): chr3-136255988-ATGG-A. GRCh37 (hg19) VCF-style: chr3-135974830-ATGG-A.
Other names: c.303+19_303+21delGTG (NM_000532.4); c.303+19_303+21del (NM_001178014.2).
Identifiers: ClinVar variation 511286 (VCV000511286.4), dbSNP rs1338554743, ClinGen allele CA546660177.
Genomic context (GRCh38, chr3:136,255,988, plus strand): 5'-GTGGAACACAGATGTGCAGATTTTGGAATGGCTGCTGATAAGAATAAGGTATTTGTTCAA[ATGG>A]TGGTGTGAACACTTTTTAGGTGTGGCTCAGCTGGCCTACCCACTAGAATAATAATAAATC-3'